The following is an entry in ClinVar:

NM_000138.5(FBN1):c.3091G>T (p.Glu1031Ter)

Gene: FBN1 (fibrillin 1; minus strand). Cytogenetic location: 15q21.1.
Variant type: single nucleotide variant.
Coding change: c.3091G>T on transcript NM_000138.5 (MANE Select); coding-DNA position 3091, G replaced by T.
Protein change: p.Glu1031Ter; replaces glutamic acid 1031 with a stop codon.
Molecular consequence: nonsense.
Genome position (GRCh38, 1-based): chr15:48,488,485, C>A on the plus strand (G>T on the coding strand, the complement: FBN1 is on the minus strand). VCF-style: chr15-48488485-C-A. GRCh37 (hg19) VCF-style: chr15-48780682-C-A.
Other names: short protein forms E1031*.
Identifiers: ClinVar variation 840727 (VCV000840727.7), dbSNP rs1555398685, ClinGen allele CA392328277.

ClinVar aggregate classification (germline): Pathogenic (1 of 4 stars; one submission).

Conditions:
Familial thoracic aortic aneurysm and aortic dissection (TAAD). Also called: Thoracic aortic aneurysms and dissections. Identifiers: Orphanet 91387, MedGen C4707243, MONDO:0019625.
Marfan syndrome (MFS). Also called: FBN1-Related Marfan Syndrome; Marfan's syndrome; MARFAN SYNDROME, TYPE I; Marfan syndrome type 1; Marfan syndrome, classic. Identifiers: Orphanet 284963, Orphanet 558, MedGen C0024796, MONDO:0007947, OMIM 154700.

Submission:

Labcorp Genetics (formerly Invitae), Labcorp
Classification: Pathogenic for Marfan syndrome; Familial thoracic aortic aneurysm and aortic dissection. Last evaluated: 2019-01-26. Review status: criteria provided, single submitter. Criteria: Invitae Variant Classification Sherloc (09022015). Collection method: clinical testing. Allele origin: germline.
Comment: For these reasons, this variant has been classified as Pathogenic. Loss-of-function variants in FBN1 are known to be pathogenic (PMID: 17657824, 19293843). This variant has not been reported in the literature in individuals with FBN1-related conditions. This variant is not present in population databases (ExAC no frequency). This sequence change creates a premature translational stop signal (p.Glu1031*) in the FBN1 gene. It is expected to result in an absent or disrupted protein product.

Literature cited by the submitters: PubMed 17657824; PubMed 19293843.